The following is an entry in ClinVar:

ClinVar aggregate classification (germline): Conflicting classifications of pathogenicity. Review status: criteria provided, conflicting classifications (1 of 4 stars). 2 submissions from 2 submitters: Uncertain significance (1); Likely benign (1). Last evaluated 2023-03-23.

Conditions:
Hereditary cancer-predisposing syndrome. Also called: Hereditary Cancer Syndrome; Hereditary neoplastic syndrome; Neoplastic Syndromes, Hereditary; Tumor predisposition. Identifiers: Orphanet 140162, MedGen C0027672, MeSH D009386, MONDO:0015356.
Hereditary breast ovarian cancer syndrome. Also called: BRCA1- and BRCA2-Associated Hereditary Breast and Ovarian Cancer; Hereditary breast and ovarian cancer; Hereditary breast and ovarian cancer syndrome (HBOC); Hereditary breast and/or ovarian cancer syndrome; Hereditary breast and ovarian cancer syndrome; Breast and ovarian cancer. Identifiers: Orphanet 145, MedGen C0677776, MeSH D061325, MONDO:0003582. Disease mechanism: loss of function.

Submissions (2):

University of Washington Department of Laboratory Medicine, University of Washington
Classification: Likely benign for Hereditary cancer-predisposing syndrome. Last evaluated: 2023-03-23. Review status: criteria provided, single submitter. Criteria: Dines et al. (Genet Med. 2020). Collection method: curation. Allele origin: germline.
Comment: Missense variant in a coldspot region where missense variants are very unlikely to be pathogenic (PMID:31911673).

BRCA2 exon 11 coldspot. Reclassification based on statistical prior probability.

Labcorp Genetics (formerly Invitae), Labcorp
Classification: Uncertain significance for Hereditary breast ovarian cancer syndrome. Last evaluated: 2022-09-13. Review status: criteria provided, single submitter. Criteria: Invitae Variant Classification Sherloc (09022015). Collection method: clinical testing. Allele origin: germline.
Comment: This sequence change replaces histidine, which is basic and polar, with glutamine, which is neutral and polar, at codon 739 of the BRCA2 protein (p.His739Gln). In summary, the available evidence is currently insufficient to determine the role of this variant in disease. Therefore, it has been classified as a Variant of Uncertain Significance. Advanced modeling of protein sequence and biophysical properties (such as structural, functional, and spatial information, amino acid conservation, physicochemical variation, residue mobility, and thermodynamic stability) performed at Invitae indicates that this missense variant is not expected to disrupt BRCA2 protein function. This variant has not been reported in the literature in individuals affected with BRCA2-related conditions. This variant is not present in population databases (gnomAD no frequency).

NM_000059.4(BRCA2):c.2217C>G (p.His739Gln)

Gene: BRCA2 (BRCA2 DNA repair associated; plus strand). Cytogenetic location: 13q13.1.
Variant type: single nucleotide variant.
Coding change: c.2217C>G on transcript NM_000059.4 (MANE Select); coding-DNA position 2217, C replaced by G.
Protein change: p.His739Gln; replaces histidine 739 with glutamine.
Molecular consequence: missense variant.
Genome position (GRCh38, 1-based): chr13:32,336,572, C>G. VCF-style: chr13-32336572-C-G. GRCh37 (hg19) VCF-style: chr13-32910709-C-G.
Other names: short protein forms H739Q.
Identifiers: ClinVar variation 1446403 (VCV001446403.7), dbSNP rs1131692117, ClinGen allele CA387770650.